The following is an entry in ClinVar:

ClinVar aggregate classification (germline): Uncertain significance. Review status: criteria provided, multiple submitters, no conflicts (2 of 4 stars). 2 submissions from 2 submitters: Uncertain significance (2). Last evaluated 2025-07-31.

Conditions:
Hereditary cancer-predisposing syndrome. Also called: Tumor predisposition; Hereditary Cancer Syndrome; Hereditary neoplastic syndrome; Neoplastic Syndromes, Hereditary. Identifiers: Orphanet 140162, MedGen C0027672, MeSH D009386, MONDO:0015356.
Oligodontia-cancer predisposition syndrome. Also called: TOOTH AGENESIS-COLORECTAL CANCER SYNDROME. Identifiers: Orphanet 300576, MedGen C1837750, MONDO:0012075, OMIM 608615. Disease mechanism: loss of function.

Submissions (2):

Ambry Genetics
Classification: Uncertain significance for Hereditary cancer-predisposing syndrome. Last evaluated: 2025-07-31. Review status: criteria provided, single submitter. Criteria: Ambry Variant Classification Scheme 2023. Collection method: clinical testing. Allele origin: germline.
Comment: The p.W663C variant (also known as c.1989G>T), located in coding exon 7 of the AXIN2 gene, results from a G to T substitution at nucleotide position 1989. The tryptophan at codon 663 is replaced by cysteine, an amino acid with highly dissimilar properties. This amino acid position is conserved. In addition, the in silico prediction for this alteration is inconclusive. Based on the available evidence, the clinical significance of this variant remains unclear.

Labcorp Genetics (formerly Invitae), Labcorp
Classification: Uncertain significance for Oligodontia-cancer predisposition syndrome. Last evaluated: 2020-11-23. Review status: criteria provided, single submitter. Criteria: Invitae Variant Classification Sherloc (09022015). Collection method: clinical testing. Allele origin: germline.
Comment: In summary, the available evidence is currently insufficient to determine the role of this variant in disease. Therefore, it has been classified as a Variant of Uncertain Significance. Algorithms developed to predict the effect of missense changes on protein structure and function are either unavailable or do not agree on the potential impact of this missense change (SIFT: "Deleterious"; PolyPhen-2: "Possibly Damaging"; Align-GVGD: "Class C0"). This variant has not been reported in the literature in individuals with AXIN2-related conditions. This variant is not present in population databases (ExAC no frequency). This sequence change replaces tryptophan with cysteine at codon 663 of the AXIN2 protein (p.Trp663Cys). The tryptophan residue is moderately conserved and there is a large physicochemical difference between tryptophan and cysteine.

NM_004655.4(AXIN2):c.1989G>T (p.Trp663Cys)

Gene: AXIN2 (axin 2; minus strand). Cytogenetic location: 17q24.1.
Variant type: single nucleotide variant.
Coding change: c.1989G>T on transcript NM_004655.4 (MANE Select); coding-DNA position 1989, G replaced by T.
Protein change: p.Trp663Cys; replaces tryptophan 663 with cysteine.
Molecular consequence: missense variant.
Genome position (GRCh38, 1-based): chr17:65,536,472, C>A on the plus strand (G>T on the coding strand, the complement: AXIN2 is on the minus strand). VCF-style: chr17-65536472-C-A. GRCh37 (hg19) VCF-style: chr17-63532590-C-A.
Other names: c.1989G>T (NM_004655.3); c.1794G>T, p.Trp598Cys (NM_001363813.1); short protein forms W598C, W663C.
Identifiers: ClinVar variation 1467568 (VCV001467568.9), dbSNP rs730882193, ClinGen allele CA400676201.